The following is an entry in ClinVar:

NM_001170629.2(CHD8):c.5475T>C (p.His1825=)

Gene: CHD8 (chromodomain helicase DNA binding protein 8; minus strand). Cytogenetic location: 14q11.2.
Variant type: single nucleotide variant.
Coding change: c.5475T>C on transcript NM_001170629.2 (MANE Select); coding-DNA position 5475, T replaced by C.
Protein change: p.His1825=; no amino-acid change (histidine 1825 retained).
Molecular consequence: synonymous variant.
Genome position (GRCh38, 1-based): chr14:21,394,401, A>G on the plus strand (T>C on the coding strand, the complement: CHD8 is on the minus strand). VCF-style: chr14-21394401-A-G. GRCh37 (hg19) VCF-style: chr14-21862560-A-G.
Other names: c.4638T>C, p.His1546= (NM_020920.4).
Identifiers: ClinVar variation 2644064 (VCV002644064.25), dbSNP rs764373441, ClinGen allele CA7090946.
Genomic context (GRCh38, chr14:21,394,401, plus strand): 5'-CTTGGTAAGGCTTTCATCTGTCTTTTTGTCTAGTCGAGCAAAAGTGCGGAAGCGATCCCA[A>G]TGGAACTGCATGGTGTCAGGGTCATATTCCACACCAAACGTAGACACCACTCGATAAAAA-3'
Protein context (NP_001164100.1, residues 1815-1835): VEYDPDTMQF[His1825=]WDRFRTFARL

ClinVar aggregate classification (germline): Likely benign. Review status: criteria provided, multiple submitters, no conflicts (2 of 4 stars). 2 submissions from 2 submitters: Likely benign (2). Last evaluated 2025-10-10.

Allele frequency attached by ClinVar (database versions not stated): gnomAD exomes 0.00001; TOPMed 0.00001; ExAC 0.00002; gnomAD 0.00002.
gnomAD v4.1: 14 of 1,613,822 alleles (0.00087%); highest among the groups gnomAD compares: African/African-American, 0.0027%; no homozygotes.

Submissions (2):

Labcorp Genetics (formerly Invitae), Labcorp
Classification: Likely benign. Last evaluated: 2025-10-10. Review status: criteria provided, single submitter. Criteria: Invitae Variant Classification Sherloc (09022015). Collection method: clinical testing. Allele origin: germline.

CeGaT Center for Human Genetics Tuebingen
Classification: Likely benign. Last evaluated: 2023-08-01. Review status: criteria provided, single submitter. Criteria: CeGaT Center For Human Genetics Tuebingen Variant Classification Criteria Version 2. Collection method: clinical testing. Allele origin: germline. Affected: yes. Observed: 1 variant allele.
Comment: CHD8: BP4, BP7